The following is an entry in ClinVar:

NM_022124.6(CDH23):c.3954C>T (p.Tyr1318=)

Genes: C10orf105 (chromosome 10 open reading frame 105; minus strand), CDH23 (cadherin related 23; plus strand). Cytogenetic location: 10q22.1.
Variant type: single nucleotide variant.
Coding change: c.3954C>T on transcript NM_022124.6 (MANE Select); coding-DNA position 3954, C replaced by T.
Protein change: p.Tyr1318=; no amino-acid change (tyrosine 1318 retained).
Molecular consequence: synonymous variant. On other transcripts: intron variant (1).
Genome position (GRCh38, 1-based): chr10:71,732,225, C>T. VCF-style: chr10-71732225-C-T. GRCh37 (hg19) VCF-style: chr10-73491982-C-T.
Other names: c.3954C>T, p.Tyr1318= (NM_001171930.2); c.-6+5503G>A (NM_001168390.2).
Identifiers: ClinVar variation 1102672 (VCV001102672.11), dbSNP rs373366898, ClinGen allele CA5544876.

ClinVar aggregate classification (germline): Likely benign. Review status: criteria provided, multiple submitters, no conflicts (2 of 4 stars). 2 submissions from 2 submitters: Likely benign (2). Last evaluated 2026-01-06.

Allele frequency attached by ClinVar (database versions not stated): TOPMed 0.00001; 1000 Genomes Project 0.00020; gnomAD 0.00003 and 0.00002; gnomAD exomes 0.00004; ESP Exome Variant Server 0.00008; 1000 Genomes Project 30x 0.00016; ExAC 0.00003.
gnomAD v4.1: 18 of 1,613,750 alleles (0.0011%); highest among the groups gnomAD compares: Admixed American, 0.0067%; no homozygotes.

Submissions (2):

Labcorp Genetics (formerly Invitae), Labcorp
Classification: Likely benign. Last evaluated: 2026-01-06. Review status: criteria provided, single submitter. Criteria: Invitae Variant Classification Sherloc (09022015). Collection method: clinical testing. Allele origin: germline.

GeneDx
Classification: Likely benign. Last evaluated: 2020-05-01. Review status: criteria provided, single submitter. Criteria: GeneDx Variant Classification Process June 2021. Collection method: clinical testing. Allele origin: germline. Affected: yes.
Comment: See Variant Classification Assertion Criteria.